The following is an entry in ClinVar:

ClinVar aggregate classification (germline): Uncertain significance (1 of 4 stars; one submission).

Conditions:
Cardiomyopathy (CMYO). Also called: Cardiomyopathies. Identifiers: Orphanet 167848, MedGen C0878544, MONDO:0004994, HP:0001638. Inheritance: Various modes of inheritance.

Submission:

All of Us Research Program, National Institutes of Health
Classification: Uncertain significance for Cardiomyopathy. Last evaluated: 2023-08-15. Review status: criteria provided, single submitter. Criteria: ACMG Guidelines, 2015. Collection method: clinical testing. Allele origin: germline. Inheritance: Autosomal dominant inheritance. Observed: 1 variant allele, 1 heterozygote.
Comment: This study involves interpretation of variants in research participants for the purpose of population health screening. Participant phenotype was not available at the time of variant classification. Additional details can be found in publication PMID: 35346344, PMCID: PMC8962531

NM_000257.4(MYH7):c.1367T>C (p.Phe456Ser)

Gene: MYH7 (myosin heavy chain 7; minus strand). Cytogenetic location: 14q11.2.
Variant type: single nucleotide variant.
Coding change: c.1367T>C on transcript NM_000257.4 (MANE Select); coding-DNA position 1367, T replaced by C.
Protein change: p.Phe456Ser; replaces phenylalanine 456 with serine.
Molecular consequence: missense variant.
Genome position (GRCh38, 1-based): chr14:23,428,995, A>G on the plus strand (T>C on the coding strand, the complement: MYH7 is on the minus strand). VCF-style: chr14-23428995-A-G. GRCh37 (hg19) VCF-style: chr14-23898204-A-G.
Other names: c.1367T>C, p.Phe456Ser (NM_001407004.1); short protein forms F456S.
Identifiers: ClinVar variation 3072367 (VCV003072367.1), dbSNP rs2502301978, ClinGen allele CA389050774.